The following is an entry in ClinVar:

ClinVar aggregate classification (germline): Uncertain significance (1 of 4 stars; one submission).

Submission:

GeneDx
Classification: Uncertain significance. Last evaluated: 2019-11-10. Review status: criteria provided, single submitter. Criteria: GeneDx Variant Classification Process June 2021. Collection method: clinical testing. Allele origin: germline. Affected: yes.
Comment: Not observed in large population cohorts (Lek et al., 2016); In silico analysis, which includes splice predictors and evolutionary conservation, supports a deleterious effect; Has not been previously published as pathogenic or benign to our knowledge

NM_000061.3(BTK):c.589-7T>G

Gene: BTK (Bruton tyrosine kinase; minus strand). Cytogenetic location: Xq22.1.
Variant type: single nucleotide variant.
Coding change: c.589-7T>G on transcript NM_000061.3 (MANE Select); 7 bases into the intron before coding-DNA position 589, T replaced by G.
Molecular consequence: intron variant.
Genome position (GRCh38, 1-based): chrX:101,360,762, A>C on the plus strand (T>G on the coding strand, the complement: BTK is on the minus strand). VCF-style: chrX-101360762-A-C. GRCh37 (hg19) VCF-style: chrX-100615750-A-C.
Other names: c.691-7T>G (NM_001287344.2); c.589-7T>G (NM_001287345.2).
Identifiers: ClinVar variation 1309935 (VCV001309935.2), dbSNP rs2147433286, ClinGen allele CA2573055050.